The following continues an entry in ClinVar:

NM_000218.3(KCNQ1):c.973G>A (p.Gly325Arg)

Gene: KCNQ1. ClinVar aggregate classification (germline): Pathogenic/Likely pathogenic. Pathogenic (10); Likely pathogenic (1).

Submissions 11 to 12 of 12:

Stanford Center for Inherited Cardiovascular Disease, Stanford University
Classification: Likely pathogenic. Review status: criteria provided, single submitter. Criteria: ACMG Guidelines, 2015. Collection method: provider interpretation. Allele origin: germline.

Cardiovascular Biomedical Research Unit, Royal Brompton & Harefield NHS Foundation Trust
No classification provided. Condition: Familial long QT syndrome. Review status: no classification provided. Collection method: literature only. Allele origin: germline. Not counted in ClinVar's aggregate classification.
Comment: This variant has been reported as associated with Long QT syndrome in the following publications (PMID:9024139;PMID:9386136;PMID:10973849;PMID:11668638;PMID:14998624;PMID:17905336;PMID:19716085;PMID:19841300;PMID:15234419;PMID:17470695). This is a literature report, and does not necessarily reflect the clinical interpretation of the Imperial College / Royal Brompton Cardiovascular Genetics laboratory.

Literature cited by the submitters: PubMed 21118729 (cited by Labcorp Genetics (formerly Invitae), Labcorp and Ambry Genetics); PubMed 22456477 (cited by Labcorp Genetics (formerly Invitae), Labcorp); PubMed 22949429 (cited by Labcorp Genetics (formerly Invitae), Labcorp); PubMed 23000022 (cited by 3 submitters); PubMed 23092362 (cited by 3 submitters); PubMed 23158531 (cited by Labcorp Genetics (formerly Invitae), Labcorp and Ambry Genetics); PubMed 26669661 (cited by Labcorp Genetics (formerly Invitae), Labcorp); PubMed 34860437 (cited by Victorian Clinical Genetics Services, Murdoch Childrens Research Institute); PubMed 22727609 (cited by Victorian Clinical Genetics Services, Murdoch Childrens Research Institute); PubMed 28438721 (cited by Victorian Clinical Genetics Services, Murdoch Childrens Research Institute); PubMed 20301308 (cited by Victorian Clinical Genetics Services, Murdoch Childrens Research Institute); PubMed 19632626 (cited by Victorian Clinical Genetics Services, Murdoch Childrens Research Institute); PubMed 10973849 (cited by Ambry Genetics and Cardiovascular Biomedical Research Unit, Royal Brompton & Harefield NHS Foundation Trust); PubMed 14998624 (cited by Ambry Genetics and Cardiovascular Biomedical Research Unit, Royal Brompton & Harefield NHS Foundation Trust); PubMed 15234419 (cited by Ambry Genetics and Cardiovascular Biomedical Research Unit, Royal Brompton & Harefield NHS Foundation Trust); PubMed 17470695 (cited by Ambry Genetics and Cardiovascular Biomedical Research Unit, Royal Brompton & Harefield NHS Foundation Trust); PubMed 19841300 (cited by Ambry Genetics and Cardiovascular Biomedical Research Unit, Royal Brompton & Harefield NHS Foundation Trust); PubMed 27251404 (cited by Ambry Genetics); PubMed 29447731 (cited by Ambry Genetics); PubMed 9024139 (cited by Ambry Genetics and Cardiovascular Biomedical Research Unit, Royal Brompton & Harefield NHS Foundation Trust); PubMed 9386136 (cited by 3 submitters); PubMed 11668638 (cited by Cardiovascular Biomedical Research Unit, Royal Brompton & Harefield NHS Foundation Trust); PubMed 17905336 (cited by Cardiovascular Biomedical Research Unit, Royal Brompton & Harefield NHS Foundation Trust); PubMed 19716085 (cited by Cardiovascular Biomedical Research Unit, Royal Brompton & Harefield NHS Foundation Trust); PubMed 22581653 (cited by Cardiovascular Biomedical Research Unit, Royal Brompton & Harefield NHS Foundation Trust).